The following is an entry in ClinVar:

ClinVar aggregate classification (germline): Uncertain significance. Review status: criteria provided, multiple submitters, no conflicts (2 of 4 stars). 2 submissions from 2 submitters: Uncertain significance (2). Last evaluated 2025-02-26.

Conditions:
Inborn genetic diseases. Identifiers: MedGen C0950123, MeSH D030342.

Allele frequency attached by ClinVar (database versions not stated): ExAC 0.00003; ESP Exome Variant Server 0.00008; TOPMed 0.00002; gnomAD 0.00001; gnomAD exomes 0.00003.
gnomAD v4.1: 38 of 1,613,802 alleles (0.0024%); highest among the groups gnomAD compares: Admixed American, 0.0033%; no homozygotes.

Submissions (2):

Labcorp Genetics (formerly Invitae), Labcorp
Classification: Uncertain significance. Last evaluated: 2025-02-26. Review status: criteria provided, single submitter. Criteria: Invitae Variant Classification Sherloc (09022015). Collection method: clinical testing. Allele origin: germline.
Comment: This sequence change replaces glycine, which is neutral and non-polar, with tryptophan, which is neutral and slightly polar, at codon 156 of the EPAS1 protein (p.Gly156Trp). This variant is present in population databases (rs377257704, gnomAD 0.006%). This missense change has been observed in individual(s) with erythrocytosis (PMID: 34946900). ClinVar contains an entry for this variant (Variation ID: 1742312). An algorithm developed to predict the effect of missense changes on protein structure and function (PolyPhen-2) suggests that this variant is likely to be disruptive. In summary, the available evidence is currently insufficient to determine the role of this variant in disease. Therefore, it has been classified as a Variant of Uncertain Significance.

Ambry Genetics
Classification: Uncertain significance for Inborn genetic diseases. Last evaluated: 2022-10-29. Review status: criteria provided, single submitter. Criteria: Ambry Variant Classification Scheme 2023. Collection method: clinical testing. Allele origin: germline.
Comment: The p.G156W variant (also known as c.466G>T), located in coding exon 5 of the EPAS1 gene, results from a G to T substitution at nucleotide position 466. The glycine at codon 156 is replaced by tryptophan, an amino acid with highly dissimilar properties. This amino acid position is conserved. In addition, the in silico prediction for this alteration is inconclusive. Since supporting evidence is limited at this time, the clinical significance of this alteration remains unclear.

Literature cited by the submitters: PubMed 34946900 (cited by Labcorp Genetics (formerly Invitae), Labcorp).

NM_001430.5(EPAS1):c.466G>T (p.Gly156Trp)

Genes: EPAS1 (endothelial PAS domain protein 1; plus strand), LOC126806210 (BRD4-independent group 4 enhancer GRCh37_chr2:46587586-46588785; plus strand). Cytogenetic location: 2p21.
Variant type: single nucleotide variant.
Coding change: c.466G>T on transcript NM_001430.5 (MANE Select); coding-DNA position 466, G replaced by T.
Protein change: p.Gly156Trp; replaces glycine 156 with tryptophan.
Molecular consequence: missense variant.
Genome position (GRCh38, 1-based): chr2:46,360,649, G>T. VCF-style: chr2-46360649-G-T. GRCh37 (hg19) VCF-style: chr2-46587788-G-T.
Other names: short protein forms G156W.
Identifiers: ClinVar variation 1742312 (VCV001742312.4), dbSNP rs377257704, ClinGen allele CA1644659.
Genomic context (GRCh38, chr2:46,360,649, plus strand): 5'-TCCATATAAAACTGACTTCAGCTGGTTCTTCCCATCCTTCCACATCCAGGCTCTGGTTTT[G>T]GGAAAAAAAGCAAAGACATGTCCACAGAGCGGGACTTCTTCATGAGGATGAAGTGCACGG-3'
Protein context (NP_001421.2, residues 146-166): NLSLKNGSGF[Gly156Trp]KKSKDMSTER